The following is an entry in ClinVar:

ClinVar aggregate classification (germline): Uncertain significance (1 of 4 stars; one submission).

Conditions:
ROCK2-related disorder. Also called: ROCK2-related condition.

gnomAD v4.1: 1 of 1,613,758 alleles (0.000062%); highest among the groups gnomAD compares: South Asian, 0.0011%; no homozygotes.

Submission:

PreventionGenetics, part of Exact Sciences
Classification: Uncertain significance for ROCK2-related condition. Last evaluated: 2025-09-18. Review status: criteria provided, single submitter. Criteria: ACMG Guidelines, 2015. Collection method: clinical testing. Allele origin: germline.
Comment: The ROCK2 c.3941C>T variant is predicted to result in the amino acid substitution p.Pro1314Leu. To our knowledge, this variant has not been reported in the literature or in a large population database (gnomAD), indicating this variant is rare. At this time, the clinical significance of this variant is uncertain due to the absence of conclusive functional and genetic evidence.

NM_004850.5(ROCK2):c.3941C>T (p.Pro1314Leu)

Gene: ROCK2 (Rho associated coiled-coil containing protein kinase 2; minus strand). Cytogenetic location: 2p25.1.
Variant type: single nucleotide variant.
Coding change: c.3941C>T on transcript NM_004850.5 (MANE Select); coding-DNA position 3941, C replaced by T.
Protein change: p.Pro1314Leu; replaces proline 1314 with leucine.
Molecular consequence: missense variant.
Genome position (GRCh38, 1-based): chr2:11,192,459, G>A on the plus strand (C>T on the coding strand, the complement: ROCK2 is on the minus strand). VCF-style: chr2-11192459-G-A. GRCh37 (hg19) VCF-style: chr2-11332585-G-A.
Other names: c.3683C>T, p.Pro1228Leu (NM_001321643.2); short protein forms P1314L, P1228L.
Identifiers: ClinVar variation 4991189 (VCV004991189.1).